The following is an entry in ClinVar:

ClinVar aggregate classification (germline): Uncertain significance (1 of 4 stars; one submission).

Allele frequency attached by ClinVar (database versions not stated): gnomAD exomes below 0.00001.
gnomAD v4.1: 3 of 1,613,424 alleles (0.00019%); highest among the groups gnomAD compares: Non-Finnish European, 0.00025%; no homozygotes.

Submission:

GeneDx
Classification: Uncertain significance. Last evaluated: 2023-02-03. Review status: criteria provided, single submitter. Criteria: GeneDx Variant Classification Process June 2021. Collection method: clinical testing. Allele origin: germline. Affected: yes.
Comment: Not observed at significant frequency in large population cohorts (gnomAD); In silico analysis supports that this missense variant has a deleterious effect on protein structure/function; Has not been previously published as pathogenic or benign to our knowledge

NM_012398.3(PIP5K1C):c.791G>C (p.Ser264Thr)

Gene: PIP5K1C (phosphatidylinositol-4-phosphate 5-kinase type 1 gamma; minus strand). Cytogenetic location: 19p13.3.
Variant type: single nucleotide variant.
Coding change: c.791G>C on transcript NM_012398.3 (MANE Select); coding-DNA position 791, G replaced by C.
Protein change: p.Ser264Thr; replaces serine 264 with threonine.
Molecular consequence: missense variant.
Genome position (GRCh38, 1-based): chr19:3,653,420, C>G on the plus strand (G>C on the coding strand, the complement: PIP5K1C is on the minus strand). VCF-style: chr19-3653420-C-G. GRCh37 (hg19) VCF-style: chr19-3653418-C-G.
Other names: c.791G>C, p.Ser264Thr (NM_001195733.2, NM_001300849.2); short protein forms S264T.
Identifiers: ClinVar variation 2575024 (VCV002575024.1), dbSNP rs2034519709, ClinGen allele CA403387256.